The following is an entry in ClinVar:

NM_020949.3(SLC7A14):c.418A>T (p.Ile140Phe)

Genes: SLC7A14 (solute carrier family 7 member 14; minus strand), SLC7A14-AS1 (SLC7A14 antisense RNA 1; plus strand). Cytogenetic location: 3q26.2.
Variant type: single nucleotide variant.
Coding change: c.418A>T on transcript NM_020949.3 (MANE Select); coding-DNA position 418, A replaced by T.
Protein change: p.Ile140Phe; replaces isoleucine 140 with phenylalanine.
Molecular consequence: missense variant.
Genome position (GRCh38, 1-based): chr3:170,501,232, T>A on the plus strand (A>T on the coding strand, the complement: SLC7A14 is on the minus strand). VCF-style: chr3-170501232-T-A. GRCh37 (hg19) VCF-style: chr3-170219021-T-A.
Other names: short protein forms I140F.
Identifiers: ClinVar variation 1913919 (VCV001913919.5), dbSNP rs778205851, ClinGen allele CA355517221.
Genomic context (GRCh38, chr3:170,501,232, plus strand): 5'-AGTCAAACATGCTGCTCAGAGCACTGGCTCCGGCCGCAGTGCCAATCAGGTACTCCAGGA[T>A]CAGGTTCCAGCCAATGAAAAATGCCACAAATTCCCCAACAGTGACATAGCTGTAGGTGTA-3'
Protein context (NP_066000.2, residues 130-150): FVAFFIGWNL[Ile140Phe]LEYLIGTAAG

ClinVar aggregate classification (germline): Uncertain significance (1 of 4 stars; one submission).

gnomAD v4.1: 5 of 1,614,152 alleles (0.00031%); highest among the groups gnomAD compares: Non-Finnish European, 0.00042%; no homozygotes.

Submission:

Labcorp Genetics (formerly Invitae), Labcorp
Classification: Uncertain significance. Last evaluated: 2024-08-28. Review status: criteria provided, single submitter. Criteria: Invitae Variant Classification Sherloc (09022015). Collection method: clinical testing. Allele origin: germline.
Comment: This sequence change replaces isoleucine, which is neutral and non-polar, with phenylalanine, which is neutral and non-polar, at codon 140 of the SLC7A14 protein (p.Ile140Phe). This variant is present in population databases (no rsID available, gnomAD 0.002%). This variant has not been reported in the literature in individuals affected with SLC7A14-related conditions. ClinVar contains an entry for this variant (Variation ID: 1913919). An algorithm developed to predict the effect of missense changes on protein structure and function (PolyPhen-2) suggests that this variant is likely to be disruptive. In summary, the available evidence is currently insufficient to determine the role of this variant in disease. Therefore, it has been classified as a Variant of Uncertain Significance.